The following is an entry in ClinVar:

ClinVar aggregate classification (germline): Uncertain significance (1 of 4 stars; one submission).

gnomAD v4.1: 5 of 1,611,608 alleles (0.00031%); highest among the groups gnomAD compares: Non-Finnish European, 0.00042%; no homozygotes.

Submission:

Ambry Genetics
Classification: Uncertain significance. Last evaluated: 2023-08-05. Review status: criteria provided, single submitter. Criteria: Ambry Variant Classification Scheme 2023. Collection method: clinical testing. Allele origin: germline.
Comment: The p.F923C variant (also known as c.2768T>G), located in coding exon 16 of the POLQ gene, results from a T to G substitution at nucleotide position 2768. The phenylalanine at codon 923 is replaced by cysteine, an amino acid with highly dissimilar properties. This amino acid position is conserved. In addition, this alteration is predicted to be tolerated by in silico analysis. Since supporting evidence is limited at this time, the clinical significance of this alteration remains unclear.

NM_199420.4(POLQ):c.2768T>G (p.Phe923Cys)

Gene: POLQ (DNA polymerase theta; minus strand). Cytogenetic location: 3q13.33.
Variant type: single nucleotide variant.
Coding change: c.2768T>G on transcript NM_199420.4 (MANE Select); coding-DNA position 2768, T replaced by G.
Protein change: p.Phe923Cys; replaces phenylalanine 923 with cysteine.
Molecular consequence: missense variant.
Genome position (GRCh38, 1-based): chr3:121,490,163, A>C on the plus strand (T>G on the coding strand, the complement: POLQ is on the minus strand). VCF-style: chr3-121490163-A-C. GRCh37 (hg19) VCF-style: chr3-121209010-A-C.
Other names: short protein forms F923C.
Identifiers: ClinVar variation 1795767 (VCV001795767.3), dbSNP rs1019257221, ClinGen allele CA354104727.